The following is an entry in ClinVar:

ClinVar aggregate classification (germline): Pathogenic (1 of 4 stars; one submission).

Submission:

Labcorp Genetics (formerly Invitae), Labcorp
Classification: Pathogenic. Last evaluated: 2024-05-21. Review status: criteria provided, single submitter. Criteria: Invitae Variant Classification Sherloc (09022015). Collection method: clinical testing. Allele origin: germline.
Comment: This sequence change creates a premature translational stop signal (p.Arg695Leufs*3) in the CLCN4 gene. It is expected to result in an absent or disrupted protein product. Loss-of-function variants in CLCN4 are known to be pathogenic (PMID: 27550844). This variant is not present in population databases (gnomAD no frequency). This variant has not been reported in the literature in individuals affected with CLCN4-related conditions. For these reasons, this variant has been classified as Pathogenic.

Literature cited by the submitters: PubMed 27550844.

NM_001830.4(CLCN4):c.2084_2105del (p.Arg695fs)

Gene: CLCN4 (chloride voltage-gated channel 4; plus strand). Cytogenetic location: Xp22.2.
Variant type: Deletion.
Coding change: c.2084_2105del on transcript NM_001830.4 (MANE Select); coding-DNA positions 2084 to 2105, 22 bases deleted (GCATCCTGAACCTCAGCCCGTT).
Protein change: p.Arg695fs; shifts the reading frame from arginine 695.
Molecular consequence: frameshift variant.
Genome position (GRCh38, 1-based): chrX:10,220,769-10,220,790, GCATCCTGAACCTCAGCCCGTT deleted. VCF-style (leftmost placement, unchanged base first): chrX-10220768-CGCATCCTGAACCTCAGCCCGTT-C. GRCh37 (hg19) VCF-style: chrX-10188808-CGCATCCTGAACCTCAGCCCGTT-C.
Other names: c.1802_1823del, p.Arg601fs (NM_001256944.2); short protein forms R601fs, R695fs.
Identifiers: ClinVar variation 3653998 (VCV003653998.2).